The following is an entry in ClinVar:

NM_001267550.2(TTN):c.42137_42146del (p.Ile14046fs)

Gene: TTN (titin; minus strand). Cytogenetic location: 2q31.2.
Variant type: Deletion.
Coding change: c.42137_42146del on transcript NM_001267550.2 (MANE Select); coding-DNA positions 42137 to 42146, 10 bases deleted (TTTTGACAGT; older notation c.42137_42146delTTTTGACAGT).
Protein change: p.Ile14046fs; shifts the reading frame from isoleucine 14046.
Molecular consequence: frameshift variant.
Genome position (GRCh38, 1-based): chr2:178,634,728-178,634,737, ACTGTCAAAA deleted on the plus strand (TTTTGACAGT on the coding strand, the reverse complement: TTN is on the minus strand). VCF-style (leftmost placement, unchanged base first): chr2-178634727-TACTGTCAAAA-T. GRCh37 (hg19) VCF-style: chr2-179499454-TACTGTCAAAA-T.
Other names: c.37214_37223del, p.Ile12405fs (NM_001256850.1); c.14942_14951del, p.Ile4981fs (NM_003319.4); c.34433_34442del, p.Ile11478fs (NM_133378.4); c.15317_15326del, p.Ile5106fs (NM_133432.3); c.15518_15527del, p.Ile5173fs (NM_133437.4); short protein forms I11478fs, I12405fs, I14046fs, I4981fs, I5106fs, I5173fs.
Identifiers: ClinVar variation 3760099 (VCV003760099.2).
Genomic context (GRCh38, chr2:178,634,727, plus strand): 5'-GCACAGGGAAGTGAAATAAAGTTGAGACCCCTCCCCAAATTCTAAAAGCCCCATACCTTT[TACTGTCAAAA>T]TGGCAGTTGTAATTGCATTAAGGGCCTGGTAGAGGACTTCACCAGCTTGGTCCAGTTTGA-3'

ClinVar aggregate classification (germline): Likely pathogenic (1 of 4 stars; one submission).

Conditions:
Dilated cardiomyopathy 1G (CMD1G). Identifiers: Orphanet 154, MedGen C1858763, MONDO:0011400, OMIM 604145.
Autosomal recessive limb-girdle muscular dystrophy type 2J (LGMDR10). Also called: Limb-girdle muscular dystrophy, type 2J; MUSCULAR DYSTROPHY, LIMB-GIRDLE, AUTOSOMAL RECESSIVE 10. Identifiers: Orphanet 140922, MedGen C1837342, MONDO:0012127, OMIM 608807.

Submission:

Labcorp Genetics (formerly Invitae), Labcorp
Classification: Likely pathogenic for Dilated cardiomyopathy 1G; Autosomal recessive limb-girdle muscular dystrophy type 2J. Last evaluated: 2024-12-18. Review status: criteria provided, single submitter. Criteria: Invitae Variant Classification Sherloc (09022015). Collection method: clinical testing. Allele origin: germline.
Comment: This sequence change creates a premature translational stop signal (p.Ile14046Lysfs*12) in the TTN gene. While this is not anticipated to result in nonsense mediated decay, it is expected to create a truncated TTN protein. This variant is not present in population databases (gnomAD no frequency). This variant has not been reported in the literature in individuals affected with TTN-related conditions. This variant is located in the I band of TTN (PMID: 25589632). Truncating variants in this region have been reported in individuals affected with autosomal recessive centronuclear myopathy (PMID: 23975875, internal data). Truncating variants in this region have also been identified in individuals affected with autosomal dominant dilated cardiomyopathy and/or cardio-related conditions (PMID: 27869827, 32964742, internal data). In summary, the currently available evidence indicates that the variant is pathogenic, but additional data are needed to prove that conclusively. Therefore, this variant has been classified as Likely Pathogenic.

Literature cited by the submitters: PubMed 25589632; PubMed 23975875; PubMed 27869827; PubMed 32964742.